The following is an entry in ClinVar:

NM_000372.5(TYR):c.266G>A (p.Cys89Tyr)

Gene: TYR (tyrosinase; plus strand). Cytogenetic location: 11q14.3.
Variant type: single nucleotide variant.
Coding change: c.266G>A on transcript NM_000372.5 (MANE Select); coding-DNA position 266, G replaced by A.
Protein change: p.Cys89Tyr; replaces cysteine 89 with tyrosine.
Molecular consequence: missense variant.
Genome position (GRCh38, 1-based): chr11:89,178,219, G>A. VCF-style: chr11-89178219-G-A. GRCh37 (hg19) VCF-style: chr11-88911387-G-A.
Other names: short protein forms C89Y.
Identifiers: ClinVar variation 2137225 (VCV002137225.4), dbSNP rs1943250983, ClinGen allele CA382034006.

ClinVar aggregate classification (germline): Likely pathogenic (1 of 4 stars; one submission).

Submission:

Labcorp Genetics (formerly Invitae), Labcorp
Classification: Likely pathogenic. Last evaluated: 2022-06-14. Review status: criteria provided, single submitter. Criteria: Invitae Variant Classification Sherloc (09022015). Collection method: clinical testing. Allele origin: germline.
Comment: In summary, the currently available evidence indicates that the variant is pathogenic, but additional data are needed to prove that conclusively. Therefore, this variant has been classified as Likely Pathogenic. This sequence change replaces cysteine, which is neutral and slightly polar, with tyrosine, which is neutral and polar, at codon 89 of the TYR protein (p.Cys89Tyr). This variant is not present in population databases (gnomAD no frequency). This missense change has been observed in individual(s) with oculocutaneous albinism (PMID: 27734839). Advanced modeling of protein sequence and biophysical properties (such as structural, functional, and spatial information, amino acid conservation, physicochemical variation, residue mobility, and thermodynamic stability) performed at Invitae indicates that this missense variant is expected to disrupt TYR protein function. This variant disrupts the p.Cys89 amino acid residue in TYR. Other variant(s) that disrupt this residue have been determined to be pathogenic (PMID: 1899321, 16517127, 27734839). This suggests that this residue is clinically significant, and that variants that disrupt this residue are likely to be disease-causing.

Literature cited by the submitters: PubMed 27734839; PubMed 1899321; PubMed 16517127.